The following is an entry in ClinVar:

ClinVar aggregate classification (germline): Uncertain significance (1 of 4 stars; one submission).

Conditions:
Myopathy, proximal, and ophthalmoplegia (CMYO6). Also called: MYOPATHY WITH CONGENITAL JOINT CONTRACTURES, OPHTHALMOPLEGIA, AND RIMMED VACUOLES; INCLUSION BODY MYOPATHY 3, AUTOSOMAL DOMINANT; CONGENITAL MYOPATHY 6 WITH OPHTHALMOPLEGIA. Identifiers: Orphanet 363677, Orphanet 79091, MedGen C1854106, MONDO:0011577, OMIM 605637.

Submission:

Labcorp Genetics (formerly Invitae), Labcorp
Classification: Uncertain significance for Myopathy, proximal, and ophthalmoplegia. Last evaluated: 2022-08-16. Review status: criteria provided, single submitter. Criteria: Invitae Variant Classification Sherloc (09022015). Collection method: clinical testing. Allele origin: germline.
Comment: Algorithms developed to predict the effect of missense changes on protein structure and function (SIFT, PolyPhen-2, Align-GVGD) all suggest that this variant is likely to be disruptive. In summary, the available evidence is currently insufficient to determine the role of this variant in disease. Therefore, it has been classified as a Variant of Uncertain Significance. ClinVar contains an entry for this variant (Variation ID: 581184). This variant has not been reported in the literature in individuals affected with MYH2-related conditions. This variant is not present in population databases (gnomAD no frequency). This sequence change replaces glutamic acid, which is acidic and polar, with glutamine, which is neutral and polar, at codon 503 of the MYH2 protein (p.Glu503Gln).

NM_017534.6(MYH2):c.1507G>C (p.Glu503Gln)

Genes: MYH2 (myosin heavy chain 2; minus strand), MYHAS (myosin heavy chain gene cluster antisense RNA; plus strand). Cytogenetic location: 17p13.1.
Variant type: single nucleotide variant.
Coding change: c.1507G>C on transcript NM_017534.6 (MANE Select); coding-DNA position 1507, G replaced by C.
Protein change: p.Glu503Gln; replaces glutamic acid 503 with glutamine.
Molecular consequence: missense variant.
Genome position (GRCh38, 1-based): chr17:10,537,745, C>G on the plus strand (G>C on the coding strand, the complement: MYH2 is on the minus strand). VCF-style: chr17-10537745-C-G. GRCh37 (hg19) VCF-style: chr17-10441062-C-G.
Other names: c.1507G>C, p.Glu503Gln (NM_001100112.2); short protein forms E503Q.
Identifiers: ClinVar variation 581184 (VCV000581184.6), dbSNP rs865974946, ClinGen allele CA398157536.